The following is an entry in ClinVar:

ClinVar aggregate classification (germline): Uncertain significance (1 of 4 stars; one submission).

Conditions:
Acromesomelic dysplasia 3 (AMD3). Also called: CHONDRODYSPLASIA, ACROMESOMELIC, WITH OR WITHOUT GENITAL ANOMALIES; Acromesomelic dysplasia, Demirhan type. Identifiers: MedGen C4225404, MONDO:0012274, OMIM 609441.
Type A2 brachydactyly (BDA2). Also called: Brachymesophalangy type 2; MOHR-WRIEDT TYPE BRACHYDACTYLY; BRACHYMESOPHALANGY II. Identifiers: Orphanet 93396, MedGen C1832702, MONDO:0007216, OMIM 112600, HP:0009372.

gnomAD v4.1: 5 of 1,613,890 alleles (0.00031%); highest among the groups gnomAD compares: African/African-American, 0.0013%; no homozygotes.

Submission:

Labcorp Genetics (formerly Invitae), Labcorp
Classification: Uncertain significance for Type A2 brachydactyly; Acromesomelic dysplasia 3. Last evaluated: 2025-08-04. Review status: criteria provided, single submitter. Criteria: Invitae Variant Classification Sherloc (09022015). Collection method: clinical testing. Allele origin: germline.
Comment: This sequence change replaces alanine, which is neutral and non-polar, with serine, which is neutral and polar, at codon 327 of the BMPR1B protein (p.Ala327Ser). This variant is not present in population databases (gnomAD no frequency). This variant has not been reported in the literature in individuals affected with BMPR1B-related conditions. Invitae Evidence Modeling of protein sequence and biophysical properties (such as structural, functional, and spatial information, amino acid conservation, physicochemical variation, residue mobility, and thermodynamic stability) indicates that this missense variant is not expected to disrupt BMPR1B protein function with a negative predictive value of 80%. In summary, the available evidence is currently insufficient to determine the role of this variant in disease. Therefore, it has been classified as a Variant of Uncertain Significance.

NM_001203.3(BMPR1B):c.979G>T (p.Ala327Ser)

Gene: BMPR1B (bone morphogenetic protein receptor type 1B; plus strand). Cytogenetic location: 4q22.3.
Variant type: single nucleotide variant.
Coding change: c.979G>T on transcript NM_001203.3 (MANE Select); coding-DNA position 979, G replaced by T.
Protein change: p.Ala327Ser; replaces alanine 327 with serine.
Molecular consequence: missense variant.
Genome position (GRCh38, 1-based): chr4:95,131,415, G>T. VCF-style: chr4-95131415-G-T. GRCh37 (hg19) VCF-style: chr4-96052566-G-T.
Other names: c.979G>T, p.Ala327Ser (NM_001256792.2, NM_001256794.1); c.1069G>T, p.Ala357Ser (NM_001256793.2); short protein forms A327S, A357S.
Identifiers: ClinVar variation 4794480 (VCV004794480.1).